The following is an entry in ClinVar:

NM_001371596.2(MFSD8):c.534A>T (p.Leu178Phe)

Gene: MFSD8 (major facilitator superfamily domain containing 8; minus strand). Cytogenetic location: 4q28.2.
Variant type: single nucleotide variant.
Coding change: c.534A>T on transcript NM_001371596.2 (MANE Select); coding-DNA position 534, A replaced by T.
Protein change: p.Leu178Phe; replaces leucine 178 with phenylalanine.
Molecular consequence: missense variant. On other transcripts: intron variant (4).
Genome position (GRCh38, 1-based): chr4:127,942,064, T>A on the plus strand (A>T on the coding strand, the complement: MFSD8 is on the minus strand). VCF-style: chr4-127942064-T-A. GRCh37 (hg19) VCF-style: chr4-128863219-T-A.
Other names: c.534A>T, p.Leu178Phe (NM_001363520.3, NM_001371591.2, NM_001371592.2 and 2 more transcripts); c.399A>T, p.Leu133Phe (NM_001371590.2, NM_001371595.1); c.304+1688A>T (NM_001410765.1); c.439+1688A>T (NM_001363521.3, NM_001410766.1, NM_001371593.2); short protein forms L133F, L178F.
Identifiers: ClinVar variation 1707798 (VCV001707798.2), dbSNP rs1740280377, ClinGen allele CA358176066.
Genomic context (GRCh38, chr4:127,942,064, plus strand): 5'-CCCAATTCAAATTCAAGTAATGACATGTGAAGAACACCTACCTGGACCTAGAATAAAACC[T>A]AATGCTTGACACATGCTTATGTTTGCCATGGAACTTGTTCTTTCCTGAAGGGAAGTAGCA-3'
Protein context (NP_001358525.1, residues 168-188): SMANISMCQA[Leu178Phe]GFILGPVFQT

ClinVar aggregate classification (germline): Uncertain significance (1 of 4 stars; one submission).

gnomAD v4.1: 2 of 1,613,874 alleles (0.00012%); highest among the groups gnomAD compares: Non-Finnish European, 0.00017%; no homozygotes.

Submission:

GeneDx
Classification: Uncertain significance. Last evaluated: 2022-03-31. Review status: criteria provided, single submitter. Criteria: GeneDx Variant Classification Process June 2021. Collection method: clinical testing. Allele origin: germline. Affected: yes.
Comment: Not observed at significant frequency in large population cohorts (gnomAD); In silico analysis supports that this missense variant has a deleterious effect on protein structure/function; Has not been previously published as pathogenic or benign to our knowledge